The following is an entry in ClinVar:

ClinVar aggregate classification (germline): Uncertain significance. Review status: criteria provided, multiple submitters, no conflicts (2 of 4 stars). 2 submissions from 2 submitters: Uncertain significance (2). Last evaluated 2023-06-21.

Conditions:
Hereditary sensory and autonomic neuropathy type 7. Also called: Neuropathy, hereditary sensory and autonomic, type VII; HSAN VII. Identifiers: Orphanet 391397, MedGen C3809882, MONDO:0014244, OMIM 615548.
Familial episodic pain syndrome with predominantly lower limb involvement. Also called: Episodic pain syndrome, familial, 3. Identifiers: Orphanet 391384, Orphanet 391392, MedGen C3809899, MONDO:0014247, OMIM 615552.
Inborn genetic diseases. Identifiers: MedGen C0950123, MeSH D030342.

Allele frequency attached by ClinVar (database versions not stated): ExAC 0.00001; gnomAD 0.00001; gnomAD exomes 0.00001; TOPMed 0.00003; 1000 Genomes Project 30x 0.00016; 1000 Genomes Project 0.00020.
gnomAD v4.1: 8 of 1,613,900 alleles (0.0005%); highest among the groups gnomAD compares: East Asian, 0.018%; no homozygotes.

Submissions (2):

Labcorp Genetics (formerly Invitae), Labcorp
Classification: Uncertain significance for Familial episodic pain syndrome with predominantly lower limb involvement; Hereditary sensory and autonomic neuropathy type 7. Last evaluated: 2023-06-21. Review status: criteria provided, single submitter. Criteria: Invitae Variant Classification Sherloc (09022015). Collection method: clinical testing. Allele origin: germline.
Comment: This sequence change replaces alanine, which is neutral and non-polar, with glycine, which is neutral and non-polar, at codon 108 of the SCN11A protein (p.Ala108Gly). This variant is present in population databases (rs571192669, gnomAD 0.01%). This variant has not been reported in the literature in individuals affected with SCN11A-related conditions. ClinVar contains an entry for this variant (Variation ID: 1010679). Advanced modeling of protein sequence and biophysical properties (such as structural, functional, and spatial information, amino acid conservation, physicochemical variation, residue mobility, and thermodynamic stability) performed at Invitae indicates that this missense variant is not expected to disrupt SCN11A protein function. In summary, the available evidence is currently insufficient to determine the role of this variant in disease. Therefore, it has been classified as a Variant of Uncertain Significance.

Ambry Genetics
Classification: Uncertain significance for Inborn genetic diseases. Last evaluated: 2019-09-17. Review status: criteria provided, single submitter. Criteria: Ambry Variant Classification Scheme 2023. Collection method: clinical testing. Allele origin: germline.
Comment: The p.A108G variant (also known as c.323C>G), located in coding exon 2 of the SCN11A gene, results from a C to G substitution at nucleotide position 323. The alanine at codon 108 is replaced by glycine, an amino acid with similar properties. This amino acid position is well conserved in available vertebrate species. In addition, this alteration is predicted to be deleterious by in silico analysis. Since supporting evidence is limited at this time, the clinical significance of this alteration remains unclear.

NM_001349253.2(SCN11A):c.323C>G (p.Ala108Gly)

Gene: SCN11A (sodium voltage-gated channel alpha subunit 11; minus strand). Cytogenetic location: 3p22.2.
Variant type: single nucleotide variant.
Coding change: c.323C>G on transcript NM_001349253.2 (MANE Select); coding-DNA position 323, C replaced by G.
Protein change: p.Ala108Gly; replaces alanine 108 with glycine.
Molecular consequence: missense variant.
Genome position (GRCh38, 1-based): chr3:38,946,852, G>C on the plus strand (C>G on the coding strand, the complement: SCN11A is on the minus strand). VCF-style: chr3-38946852-G-C. GRCh37 (hg19) VCF-style: chr3-38988343-G-C.
Other names: c.323C>G, p.Ala108Gly (NM_014139.3); short protein forms A108G.
Identifiers: ClinVar variation 1010679 (VCV001010679.7), dbSNP rs571192669, ClinGen allele CA2322653.